The following is an entry in ClinVar:

NM_000136.3(FANCC):c.686+16T>G

Genes: AOPEP (aminopeptidase O (putative); plus strand), FANCC (FA complementation group C; minus strand). Cytogenetic location: 9q22.32.
Variant type: single nucleotide variant.
Coding change: c.686+16T>G on transcript NM_000136.3 (MANE Select); 16 bases into the intron after coding-DNA position 686, T replaced by G.
Molecular consequence: intron variant.
Genome position (GRCh38, 1-based): chr9:95,149,907, A>C on the plus strand (T>G on the coding strand, the complement: FANCC is on the minus strand). VCF-style: chr9-95149907-A-C. GRCh37 (hg19) VCF-style: chr9-97912189-A-C.
Other names: c.686+16T>G (NM_001243743.2, NM_001243744.2).
Identifiers: ClinVar variation 377843 (VCV000377843.4), dbSNP rs774813556, ClinGen allele CA5137667.
Genomic context (GRCh38, chr9:95,149,907, plus strand): 5'-CAGTCTTTCCAACACACCACAGCCTTCTAAGAAAAGGAAAAACGACGCAGGATGACAGGA[A>C]ACATTTGCCACTTACAGCAAAATGGCCTCGTTTACAGCCTCAAAGAACTCTGGCTGGAGG-3'

ClinVar aggregate classification (germline): Likely benign. Review status: criteria provided, multiple submitters, no conflicts (2 of 4 stars). 2 submissions from 2 submitters: Likely benign (2). Last evaluated 2024-11-24.

Conditions:
Fanconi anemia (FA). Also called: Fanconi's anemia. Identifiers: Orphanet 84, MedGen C0015625, MeSH D005199, MONDO:0019391.

Allele frequency attached by ClinVar (database versions not stated): ExAC below 0.00001; gnomAD exomes below 0.00001; TOPMed 0.00001.
gnomAD v4.1: 1 of 1,586,626 alleles (0.000063%); highest among the groups gnomAD compares: Non-Finnish European, 0.000086%; no homozygotes.

Submissions (2):

Labcorp Genetics (formerly Invitae), Labcorp
Classification: Likely benign for Fanconi anemia. Last evaluated: 2024-11-24. Review status: criteria provided, single submitter. Criteria: Invitae Variant Classification Sherloc (09022015). Collection method: clinical testing. Allele origin: germline.

GeneDx
Classification: Likely benign. Last evaluated: 2016-11-02. Review status: criteria provided, single submitter. Criteria: GeneDx Variant Classification (06012015). Collection method: clinical testing. Allele origin: germline. Affected: yes.
Comment: This variant is considered likely benign or benign based on one or more of the following criteria: it is a conservative change, it occurs at a poorly conserved position in the protein, it is predicted to be benign by multiple in silico algorithms, and/or has population frequency not consistent with disease.